The following is an entry in ClinVar:

ClinVar aggregate classification (germline): Pathogenic/Likely pathogenic. Review status: criteria provided, multiple submitters, no conflicts (2 of 4 stars). 2 submissions from 2 submitters: Pathogenic (1); Likely pathogenic (1). Last evaluated 2024-11-18.

Conditions:
TUBGCP6-related disorder. Also called: TUBGCP6-related condition.

Submissions (2):

Labcorp Genetics (formerly Invitae), Labcorp
Classification: Pathogenic. Last evaluated: 2024-11-18. Review status: criteria provided, single submitter. Criteria: Invitae Variant Classification Sherloc (09022015). Collection method: clinical testing. Allele origin: germline.
Comment: This sequence change creates a premature translational stop signal (p.Ser369Phefs*198) in the TUBGCP6 gene. It is expected to result in an absent or disrupted protein product. Loss-of-function variants in TUBGCP6 are known to be pathogenic (PMID: 25344692). This variant is not present in population databases (gnomAD no frequency). This variant has not been reported in the literature in individuals affected with TUBGCP6-related conditions. ClinVar contains an entry for this variant (Variation ID: 2088543). For these reasons, this variant has been classified as Pathogenic.

Blueprint Genetics
Classification: Likely pathogenic for TUBGCP6-related disorders. Last evaluated: 2022-12-02. Review status: criteria provided, single submitter. Criteria: ACMG Guidelines, 2015. Collection method: clinical testing. Allele origin: germline. Affected: yes. Observed: 1 variant allele.

Literature cited by the submitters: PubMed 25344692 (cited by Labcorp Genetics (formerly Invitae), Labcorp).

NM_020461.4(TUBGCP6):c.1105dup (p.Ser369fs)

Gene: TUBGCP6 (tubulin gamma complex component 6; minus strand). Cytogenetic location: 22q13.33.
Variant type: Duplication.
Coding change: c.1105dup on transcript NM_020461.4 (MANE Select); coding-DNA position 1105, one base duplicated (T; older notation c.1105dupT).
Protein change: p.Ser369fs; shifts the reading frame from serine 369.
Molecular consequence: frameshift variant.
Genome position (GRCh38, 1-based): chr22:50,233,327, A duplicated on the plus strand (T on the coding strand, the reverse complement: TUBGCP6 is on the minus strand); the first of 4 consecutive A bases (chr22:50,233,327-50,233,330); duplicating any one gives the same sequence. VCF-style (leftmost placement, unchanged base first): chr22-50233326-G-GA. GRCh37 (hg19) VCF-style: chr22-50671755-G-GA.
Other names: short protein forms S369fs.
Identifiers: ClinVar variation 2088543 (VCV002088543.5), dbSNP rs2064717485, ClinGen allele CA2410737683.